The following is an entry in ClinVar:

ClinVar aggregate classification (germline): Uncertain significance (1 of 4 stars; one submission).

Conditions:
Inborn genetic diseases. Identifiers: MedGen C0950123, MeSH D030342.

Allele frequency attached by ClinVar (database versions not stated): TOPMed below 0.00001; ExAC 0.00001; gnomAD 0.00001.
gnomAD v4.1: 10 of 1,608,318 alleles (0.00062%); highest among the groups gnomAD compares: African/African-American, 0.0013%; no homozygotes.

Submission:

Ambry Genetics
Classification: Uncertain significance for Inborn genetic diseases. Last evaluated: 2023-01-18. Review status: criteria provided, single submitter. Criteria: Ambry Variant Classification Scheme 2023. Collection method: clinical testing. Allele origin: germline.
Comment: The p.D765V variant (also known as c.2294A>T), located in coding exon 18 of the BUB1B gene, results from an A to T substitution at nucleotide position 2294. The aspartic acid at codon 765 is replaced by valine, an amino acid with highly dissimilar properties. This amino acid position is conserved. In addition, this alteration is predicted to be tolerated by in silico analysis. Since supporting evidence is limited at this time, the clinical significance of this alteration remains unclear.

NM_001211.6(BUB1B):c.2294A>T (p.Asp765Val)

Gene: BUB1B (BUB1 mitotic checkpoint serine/threonine kinase B; plus strand). Cytogenetic location: 15q15.1.
Variant type: single nucleotide variant.
Coding change: c.2294A>T on transcript NM_001211.6 (MANE Select); coding-DNA position 2294, A replaced by T.
Protein change: p.Asp765Val; replaces aspartic acid 765 with valine.
Molecular consequence: missense variant.
Genome position (GRCh38, 1-based): chr15:40,210,119, A>T. VCF-style: chr15-40210119-A-T. GRCh37 (hg19) VCF-style: chr15-40502320-A-T.
Other names: short protein forms D765V.
Identifiers: ClinVar variation 2497660 (VCV002497660.2), dbSNP rs765119108, ClinGen allele CA7476011.
Genomic context (GRCh38, chr15:40,210,119, plus strand): 5'-GGCTGTATATGTTCACAGTGATTTTTAAATGGAATCAAACTTTCTCAACAGGTAATGAGG[A>T]TTACTGCATTAAACGAGAATACCTAATATGTGAAGATTACAAGTTATTCTGGGTGGCGCC-3'
Protein context (NP_001202.5, residues 755-775): IEKEIELGNE[Asp765Val]YCIKREYLIC